The following is an entry in ClinVar:

ClinVar aggregate classification (germline): Pathogenic (1 of 4 stars; one submission).

Conditions:
Hereditary cancer-predisposing syndrome. Also called: Neoplastic Syndromes, Hereditary; Hereditary Cancer Syndrome; Tumor predisposition; Hereditary neoplastic syndrome. Identifiers: Orphanet 140162, MedGen C0027672, MeSH D009386, MONDO:0015356.

Submission:

Ambry Genetics
Classification: Pathogenic for Hereditary cancer-predisposing syndrome. Last evaluated: 2025-02-28. Review status: criteria provided, single submitter. Criteria: Ambry Variant Classification Scheme 2023. Collection method: clinical testing. Allele origin: germline.
Comment: The c.685dupG pathogenic mutation, located in coding exon 5 of the STK11 gene, results from a duplication of G at nucleotide position 685, causing a translational frameshift with a predicted alternate stop codon (p.D229Gfs*37). This variant is considered to be rare based on population cohorts in the Genome Aggregation Database (gnomAD). This alteration is expected to result in loss of function by premature protein truncation or nonsense-mediated mRNA decay. As such, this alteration is interpreted as a disease-causing mutation.

NM_000455.5(STK11):c.685dup (p.Asp229fs)

Gene: STK11 (serine/threonine kinase 11; plus strand). Cytogenetic location: 19p13.3.
Variant type: Duplication.
Coding change: c.685dup on transcript NM_000455.5 (MANE Select); coding-DNA position 685, one base duplicated (G; older notation c.685dupG).
Protein change: p.Asp229fs; shifts the reading frame from aspartic acid 229.
Molecular consequence: frameshift variant. On other transcripts: non-coding transcript variant (1).
Genome position (GRCh38, 1-based): chr19:1,220,668, G duplicated; the last of 2 consecutive G bases (chr19:1,220,667-1,220,668); duplicating either gives the same sequence. VCF-style (leftmost placement, unchanged base first): chr19-1220666-T-TG. GRCh37 (hg19) VCF-style: chr19-1220665-T-TG.
Other names: c.685dup, p.Asp229fs (NM_001407255.1); c.685dupG (NM_000455.4); short protein forms D229fs.
Identifiers: ClinVar variation 3802402 (VCV003802402.1).
Genomic context (GRCh38, chr19:1,220,666, plus strand): 5'-ACACCTGCCGGACCAGCCAGGGCTCCCCGGCTTTCCAGCCGCCCGAGATTGCCAACGGCC[T>TG]GGACACCTTCTCCGGCTTCAAGGTGGACATCTGGTCGGCTGGGGTCACCCTGTAAGTGCC-3'